The following is an entry in ClinVar:

NM_178857.6(RP1L1):c.3618C>T (p.Gly1206=)

Gene: RP1L1 (RP1 like 1). Cytogenetic location: 8p23.1.
Variant type: single nucleotide variant.
Coding change: c.3618C>T on transcript NM_178857.6 (MANE Select); coding-DNA position 3618, C replaced by T.
Protein change: p.Gly1206=; no amino-acid change (glycine 1206 retained).
Molecular consequence: synonymous variant.
Genome position (GRCh38, 1-based): chr8:10,610,480, G>A on the plus strand (C>T on the coding strand, the complement: RP1L1 is on the minus strand). VCF-style: chr8-10610480-G-A. GRCh37 (hg19) VCF-style: chr8-10467990-G-A.
Identifiers: ClinVar variation 3040426 (VCV003040426.2), dbSNP rs374781609, ClinGen allele CA4624424.

ClinVar aggregate classification (germline): Likely benign (0 of 4 stars; one submission).

Conditions:
RP1L1-related disorder. Also called: RP1L1-related condition.

Allele frequency attached by ClinVar (database versions not stated): TOPMed 0.00003; ExAC 0.00004; gnomAD exomes 0.00006; gnomAD 0.00007; ESP Exome Variant Server 0.00008.
gnomAD v4.1: 98 of 1,613,638 alleles (0.0061%); highest among the groups gnomAD compares: Non-Finnish European, 0.0079%; no homozygotes.

Submission:

PreventionGenetics, part of Exact Sciences
Classification: Likely benign for RP1L1-related condition. Last evaluated: 2019-09-10. Review status: no assertion criteria provided. Collection method: clinical testing. Allele origin: germline.
Comment: This variant is classified as likely benign based on ACMG/AMP sequence variant interpretation guidelines (Richards et al. 2015 PMID: 25741868, with internal and published modifications).